The following is an entry in ClinVar:

ClinVar aggregate classification (germline): Benign (0 of 4 stars; one submission).

Conditions:
ALPK2-related disorder. Also called: ALPK2-related condition.

Allele frequency attached by ClinVar (database versions not stated): ESP Exome Variant Server 0.83246; gnomAD exomes 0.83421; TOPMed 0.85340; gnomAD 0.85659; ExAC 0.86827; 1000 Genomes Project 30x 0.92036; 1000 Genomes Project 0.92153.
gnomAD v4.1: 1,350,094 of 1,613,966 alleles (84%); highest among the groups gnomAD compares: East Asian, 100%; 566,753 homozygotes.

Submission:

PreventionGenetics, part of Exact Sciences
Classification: Benign for ALPK2-related condition. Last evaluated: 2019-10-17. Review status: no assertion criteria provided. Collection method: clinical testing. Allele origin: germline.
Comment: This variant is classified as benign based on ACMG/AMP sequence variant interpretation guidelines (Richards et al. 2015 PMID: 25741868, with internal and published modifications).

NM_052947.4(ALPK2):c.6469A>G (p.Ile2157Val)

Gene: ALPK2 (alpha kinase 2; minus strand). Cytogenetic location: 18q21.31.
Variant type: single nucleotide variant.
Coding change: c.6469A>G on transcript NM_052947.4 (MANE Select); coding-DNA position 6469, A replaced by G.
Protein change: p.Ile2157Val; replaces isoleucine 2157 with valine.
Molecular consequence: missense variant.
Genome position (GRCh38, 1-based): chr18:58,481,867, T>C on the plus strand (A>G on the coding strand, the complement: ALPK2 is on the minus strand). VCF-style: chr18-58481867-T-C. GRCh37 (hg19) VCF-style: chr18-56149099-T-C.
Other names: short protein forms I2157V.
Identifiers: ClinVar variation 3060101 (VCV003060101.2), dbSNP rs7240666, ClinGen allele CA8976145.